The following is an entry in ClinVar:

ClinVar aggregate classification (germline): Uncertain significance (1 of 4 stars; one submission).

Conditions:
Arginase deficiency. Also called: ARGININEMIA; Arginase 1 Deficiency; ARG1 DEFICIENCY. Identifiers: Orphanet 90, MedGen C0268548, MONDO:0008814, OMIM 207800.

Allele frequency attached by ClinVar (database versions not stated): 1000 Genomes Project 30x 0.00016; gnomAD 0.00020 and 0.00022; 1000 Genomes Project 0.00020; ESP Exome Variant Server 0.00015; TOPMed 0.00021.
gnomAD v4.1: 54 of 1,614,030 alleles (0.0033%); highest among the groups gnomAD compares: African/African-American, 0.061%; no homozygotes.

Submission:

Labcorp Genetics (formerly Invitae), Labcorp
Classification: Uncertain significance for Arginase deficiency. Last evaluated: 2022-08-09. Review status: criteria provided, single submitter. Criteria: Invitae Variant Classification Sherloc (09022015). Collection method: clinical testing. Allele origin: germline.
Comment: This sequence change replaces proline, which is neutral and non-polar, with threonine, which is neutral and polar, at codon 286 of the ARG1 protein (p.Pro286Thr). This variant is present in population databases (rs370022660, gnomAD 0.06%). This missense change has been observed in individual(s) with clinical features of ARG1-related conditions (PMID: 31130284). ClinVar contains an entry for this variant (Variation ID: 859241). Algorithms developed to predict the effect of missense changes on protein structure and function (SIFT, PolyPhen-2, Align-GVGD) all suggest that this variant is likely to be tolerated. In summary, the available evidence is currently insufficient to determine the role of this variant in disease. Therefore, it has been classified as a Variant of Uncertain Significance.

Literature cited by the submitters: PubMed 31130284.

NM_000045.4(ARG1):c.856C>A (p.Pro286Thr)

Genes: ARG1 (arginase 1; plus strand), MED23 (mediator complex subunit 23; minus strand). Cytogenetic location: 6q23.2.
Variant type: single nucleotide variant.
Coding change: c.856C>A on transcript NM_000045.4 (MANE Select); coding-DNA position 856, C replaced by A.
Protein change: p.Pro286Thr; replaces proline 286 with threonine.
Molecular consequence: missense variant. On other transcripts: intron variant (2), non-coding transcript variant (1).
Genome position (GRCh38, 1-based): chr6:131,583,795, C>A. VCF-style: chr6-131583795-C-A. GRCh37 (hg19) VCF-style: chr6-131904935-C-A.
Other names: c.4077+3914G>T (NM_001270521.2); c.4095+3914G>T (NM_015979.4); c.880C>A, p.Pro294Thr (NM_001244438.2); c.601C>A, p.Pro201Thr (NM_001369020.1); short protein forms P294T, P201T, P286T.
Identifiers: ClinVar variation 859241 (VCV000859241.5), dbSNP rs370022660, ClinGen allele CA3999392.
Genomic context (GRCh38, chr6:131,583,795, plus strand): 5'-GTTGTAGGGCTACTCTCAGGATTAGATATAATGGAAGTGAACCCATCCCTGGGGAAGACA[C>A]CAGAAGAAGTAACTCGAACAGTGAACACAGCAGTTGCAATAACCTTGGCTTGTTTCGGAC-3'
Protein context (NP_000036.2, residues 276-296): MEVNPSLGKT[Pro286Thr]EEVTRTVNTA